The following is an entry in ClinVar:

ClinVar aggregate classification (germline): Uncertain significance (1 of 4 stars; one submission).

Conditions:
Combined oxidative phosphorylation defect type 27. Also called: Combined oxidative phosphorylation deficiency 27. Identifiers: Orphanet 477774, MedGen C5567608, MONDO:0014728, OMIM 616672.

Allele frequency attached by ClinVar (database versions not stated): ExAC 0.00005; gnomAD 0.00005 and 0.00003; gnomAD exomes 0.00004; TOPMed 0.00002.
gnomAD v4.1: 65 of 1,613,260 alleles (0.004%); highest among the groups gnomAD compares: Middle Eastern, 0.016%; no homozygotes.

Submission:

Labcorp Genetics (formerly Invitae), Labcorp
Classification: Uncertain significance for Combined oxidative phosphorylation defect type 27. Last evaluated: 2022-06-01. Review status: criteria provided, single submitter. Criteria: Invitae Variant Classification Sherloc (09022015). Collection method: clinical testing. Allele origin: germline.
Comment: This sequence change replaces arginine, which is basic and polar, with glutamine, which is neutral and polar, at codon 346 of the CARS2 protein (p.Arg346Gln). This variant is present in population databases (rs773315723, gnomAD 0.03%). This variant has not been reported in the literature in individuals affected with CARS2-related conditions. ClinVar contains an entry for this variant (Variation ID: 934756). Algorithms developed to predict the effect of missense changes on protein structure and function (SIFT, PolyPhen-2, Align-GVGD) all suggest that this variant is likely to be tolerated. Algorithms developed to predict the effect of sequence changes on RNA splicing suggest that this variant may disrupt the consensus splice site. In summary, the available evidence is currently insufficient to determine the role of this variant in disease. Therefore, it has been classified as a Variant of Uncertain Significance.

NM_024537.4(CARS2):c.1037G>A (p.Arg346Gln)

Gene: CARS2 (cysteinyl-tRNA synthetase 2, mitochondrial; minus strand). Cytogenetic location: 13q34.
Variant type: single nucleotide variant.
Coding change: c.1037G>A on transcript NM_024537.4 (MANE Select); coding-DNA position 1037, G replaced by A.
Protein change: p.Arg346Gln; replaces arginine 346 with glutamine.
Molecular consequence: missense variant. On other transcripts: non-coding transcript variant (2).
Genome position (GRCh38, 1-based): chr13:110,651,051, C>T on the plus strand (G>A on the coding strand, the complement: CARS2 is on the minus strand). VCF-style: chr13-110651051-C-T. GRCh37 (hg19) VCF-style: chr13-111303398-C-T.
Other names: c.251G>A, p.Arg84Gln (NM_001352252.2); short protein forms R346Q, R84Q.
Identifiers: ClinVar variation 934756 (VCV000934756.7), dbSNP rs773315723, ClinGen allele CA7051970.